The following is an entry in ClinVar:

ClinVar aggregate classification (germline): Uncertain significance (1 of 4 stars; one submission).

Conditions:
Inborn genetic diseases. Identifiers: MedGen C0950123, MeSH D030342.

Submission:

Ambry Genetics
Classification: Uncertain significance for Inborn genetic diseases. Last evaluated: 2022-03-03. Review status: criteria provided, single submitter. Criteria: Ambry Variant Classification Scheme 2023. Collection method: clinical testing. Allele origin: germline.
Comment: The p.T213R variant (also known as c.638C>G), located in coding exon 6 of the LRRK2 gene, results from a C to G substitution at nucleotide position 638. The threonine at codon 213 is replaced by arginine, an amino acid with similar properties. This amino acid position is conserved. In addition, this alteration is predicted to be tolerated by in silico analysis. Since supporting evidence is limited at this time, the clinical significance of this alteration remains unclear.

NM_198578.4(LRRK2):c.638C>G (p.Thr213Arg)

Gene: LRRK2 (leucine rich repeat kinase 2; plus strand). Cytogenetic location: 12q12.
Variant type: single nucleotide variant.
Coding change: c.638C>G on transcript NM_198578.4 (MANE Select); coding-DNA position 638, C replaced by G.
Protein change: p.Thr213Arg; replaces threonine 213 with arginine.
Molecular consequence: missense variant.
Genome position (GRCh38, 1-based): chr12:40,240,549, C>G. VCF-style: chr12-40240549-C-G. GRCh37 (hg19) VCF-style: chr12-40634351-C-G.
Other names: short protein forms T213R.
Identifiers: ClinVar variation 1753217 (VCV001753217.2), dbSNP rs753237492, ClinGen allele CA384404753.